The following is an entry in ClinVar:

NM_170784.3(MKKS):c.375_381dup (p.Ile128fs)

Gene: MKKS (MKKS centrosomal shuttling protein; minus strand). Cytogenetic location: 20p12.2.
Variant type: Duplication.
Coding change: c.375_381dup on transcript NM_170784.3 (MANE Select); coding-DNA positions 375 to 381, 7 bases duplicated (TCTTTGC; older notation c.375_381dupTCTTTGC).
Protein change: p.Ile128fs; shifts the reading frame from isoleucine 128.
Molecular consequence: frameshift variant.
Genome position (GRCh38, 1-based): chr20:10,413,134-10,413,140, GCAAAGA duplicated on the plus strand (TCTTTGC on the coding strand, the reverse complement: MKKS is on the minus strand). VCF-style (leftmost placement, unchanged base first): chr20-10413133-T-TGCAAAGA. GRCh37 (hg19) VCF-style: chr20-10393781-T-TGCAAAGA.
Other names: c.375_381dup, p.Ile128fs (NM_018848.3); short protein forms I128fs.
Identifiers: ClinVar variation 1408644 (VCV001408644.6), dbSNP rs2122235619, ClinGen allele CA2573156833.
Genomic context (GRCh38, chr20:10,413,133, plus strand): 5'-GAGTACTACTAAAGTCCACTGGGATTCGACAACCACAGGTCTCAGACTTGAGATAACTGA[T>TGCAAAGA]GCAAAGACTCAAAAGATGTTTATTTAATCTAATGACAGTGGTGGGTGTCAAGCCTAATCT-3'

ClinVar aggregate classification (germline): Pathogenic (1 of 4 stars; one submission).

Conditions:
Bardet-Biedl syndrome (BBS). Identifiers: Orphanet 110, MedGen C0752166, MONDO:0015229.
McKusick-Kaufman syndrome (MKKS). Also called: HYDROMETROCOLPOS SYNDROME; HYDROMETROCOLPOS, POSTAXIAL POLYDACTYLY, AND CONGENITAL HEART MALFORMATION. Identifiers: Orphanet 2473, MedGen C0948368, MONDO:0009367, OMIM 236700.

Submission:

Labcorp Genetics (formerly Invitae), Labcorp
Classification: Pathogenic for McKusick-Kaufman syndrome; Bardet-Biedl syndrome. Last evaluated: 2021-10-14. Review status: criteria provided, single submitter. Criteria: Invitae Variant Classification Sherloc (09022015). Collection method: clinical testing. Allele origin: germline.
Comment: This sequence change creates a premature translational stop signal (p.Ile128Serfs*9) in the MKKS gene. It is expected to result in an absent or disrupted protein product. Loss-of-function variants in MKKS are known to be pathogenic (PMID: 11179009, 28761321, 30614526). This variant is not present in population databases (ExAC no frequency). This variant has not been reported in the literature in individuals affected with MKKS-related conditions. For these reasons, this variant has been classified as Pathogenic.

Literature cited by the submitters: PubMed 11179009; PubMed 28761321; PubMed 30614526.